The following is an entry in ClinVar:

ClinVar aggregate classification (germline): Likely benign (1 of 4 stars; one submission).

Submission:

GeneDx
Classification: Likely benign. Last evaluated: 2018-06-07. Review status: criteria provided, single submitter. Criteria: GeneDx Variant Classification (06012015). Collection method: clinical testing. Allele origin: germline. Affected: yes.
Comment: This variant is considered likely benign or benign based on one or more of the following criteria: it is a conservative change, it occurs at a poorly conserved position in the protein, it is predicted to be benign by multiple in silico algorithms, and/or has population frequency not consistent with disease.

NM_000100.2(CSTB):c.-48_-36delCGTCCCCTCGCCG

Genes: CSTB (cystatin B; minus strand), LOC130066788 (ATAC-STARR-seq lymphoblastoid silent region 13368; plus strand). Cytogenetic location: 21q22.3.
Variant type: Deletion.
Coding change: c.-48_-36delCGTCCCCTCGCCG on transcript NM_000100.2; 48 bases upstream of the start codon through 36 bases upstream of the start codon, 13 bases deleted (CGTCCCCTCGCCG).
Genome position (GRCh38, 1-based): chr21:43,776,305-43,776,317, CGGCGAGGGGACG deleted on the plus strand (CGTCCCCTCGCCG on the coding strand, the reverse complement: CSTB is on the minus strand); deleting any 13 consecutive bases within chr21:43,776,305-43,776,322 gives the same sequence; the c. name uses the placement nearest the transcript's 3' end. VCF-style (leftmost placement, unchanged base first): chr21-43776304-TCGGCGAGGGGACG-T. GRCh37 (hg19) VCF-style: chr21-45196185-TCGGCGAGGGGACG-T.
Identifiers: ClinVar variation 671988 (VCV000671988.3), dbSNP rs780277053, ClinGen allele CA10048957.